The following is an entry in ClinVar:

ClinVar aggregate classification (germline): Benign/Likely benign. Review status: criteria provided, multiple submitters, no conflicts (2 of 4 stars). 5 submissions from 5 submitters: Benign (3); Likely benign (2). Last evaluated 2026-01-12.

Conditions:
PDE3A-related disorder. Also called: PDE3A-related condition.

Allele frequency attached by ClinVar (database versions not stated): 1000 Genomes Project 30x 0.00156; 1000 Genomes Project 0.00180; TOPMed 0.00283; gnomAD 0.00310 and 0.00317; ESP Exome Variant Server 0.00385; gnomAD exomes 0.00452 and 0.00324; ExAC 0.00362.
gnomAD v4.1: 7,067 of 1,611,006 alleles (0.44%); highest among the groups gnomAD compares: Non-Finnish European, 0.54%; 28 homozygotes.

Submissions (5):

Labcorp Genetics (formerly Invitae), Labcorp
Classification: Benign. Last evaluated: 2026-01-12. Review status: criteria provided, single submitter. Criteria: Invitae Variant Classification Sherloc (09022015). Collection method: clinical testing. Allele origin: germline.

PreventionGenetics, part of Exact Sciences
Classification: Benign for PDE3A-related condition. Last evaluated: 2025-06-06. Review status: criteria provided, single submitter. Criteria: ACMG Guidelines, 2015. Collection method: clinical testing. Allele origin: germline.
Comment: This variant is classified as benign based on ACMG/AMP sequence variant interpretation guidelines (Richards et al. 2015 PMID: 25741868, with internal and published modifications).

CeGaT Center for Human Genetics Tuebingen
Classification: Likely benign. Last evaluated: 2025-03-01. Review status: criteria provided, single submitter. Criteria: CeGaT Center For Human Genetics Tuebingen Variant Classification Criteria Version 2. Collection method: clinical testing. Allele origin: germline. Affected: yes. Observed: 2 variant alleles.
Comment: PDE3A: BS2

Blueprint Genetics
Classification: Likely benign. Last evaluated: 2024-11-26. Review status: criteria provided, single submitter. Criteria: ACMG Guidelines, 2015. Collection method: clinical testing. Allele origin: germline.

Breakthrough Genomics
Classification: Benign. Review status: criteria provided, single submitter. Criteria: ACMG Guidelines, 2015. Collection method: not provided. Allele origin: germline. Inheritance: Autosomal dominant inheritance. Affected: yes.

NM_000921.5(PDE3A):c.578T>C (p.Val193Ala)

Genes: PDE3A (phosphodiesterase 3A; plus strand), PDE3A-AS1 (PDE3A antisense RNA 1; minus strand), LOC124625920 (Sharpr-MPRA regulatory region 8059; plus strand). Cytogenetic location: 12p12.2.
Variant type: single nucleotide variant.
Coding change: c.578T>C on transcript NM_000921.5 (MANE Select); coding-DNA position 578, T replaced by C.
Protein change: p.Val193Ala; replaces valine 193 with alanine.
Molecular consequence: missense variant. On other transcripts: 5 prime UTR variant (1).
Genome position (GRCh38, 1-based): chr12:20,369,862, T>C. VCF-style: chr12-20369862-T-C. GRCh37 (hg19) VCF-style: chr12-20522796-T-C.
Other names: c.578T>C, p.Val193Ala (NM_001378407.1); c.-451T>C (NM_001378408.1); short protein forms V193A.
Identifiers: ClinVar variation 717627 (VCV000717627.29), dbSNP rs141457914, ClinGen allele CA6473468.